The following is an entry in ClinVar:

NM_003716.4(CADPS):c.2055A>G (p.Val685=)

Gene: CADPS (calcium dependent secretion activator; minus strand). Cytogenetic location: 3p14.2.
Variant type: single nucleotide variant.
Coding change: c.2055A>G on transcript NM_003716.4 (MANE Select); coding-DNA position 2055, A replaced by G.
Protein change: p.Val685=; no amino-acid change (valine 685 retained).
Molecular consequence: synonymous variant. On other transcripts: intron variant (1).
Genome position (GRCh38, 1-based): chr3:62,536,493, T>C on the plus strand (A>G on the coding strand, the complement: CADPS is on the minus strand). VCF-style: chr3-62536493-T-C. GRCh37 (hg19) VCF-style: chr3-62522168-T-C.
Other names: c.2055A>G, p.Val685= (NM_183394.3); c.2052+3A>G (NM_183393.3).
Identifiers: ClinVar variation 3356447 (VCV003356447.1).

ClinVar aggregate classification (germline): Likely benign (0 of 4 stars; one submission).

Conditions:
CADPS-related disorder. Also called: CADPS-related condition.

gnomAD v4.1: 3 of 1,613,460 alleles (0.00019%); highest among the groups gnomAD compares: Admixed American, 0.005%; no homozygotes.

Submission:

PreventionGenetics, part of Exact Sciences
Classification: Likely benign for CADPS-related condition. Last evaluated: 2019-03-08. Review status: no assertion criteria provided. Collection method: clinical testing. Allele origin: germline.
Comment: This variant is classified as likely benign based on ACMG/AMP sequence variant interpretation guidelines (Richards et al. 2015 PMID: 25741868, with internal and published modifications).